The following is an entry in ClinVar:

NM_001018005.2(TPM1):c.226A>G (p.Lys76Glu)

Gene: TPM1 (tropomyosin 1; plus strand). Cytogenetic location: 15q22.2.
Variant type: single nucleotide variant.
Coding change: c.226A>G on transcript NM_001018005.2 (MANE Select); coding-DNA position 226, A replaced by G.
Protein change: p.Lys76Glu; replaces lysine 76 with glutamic acid.
Molecular consequence: missense variant. On other transcripts: intron variant (3).
Genome position (GRCh38, 1-based): chr15:63,044,138, A>G. VCF-style: chr15-63044138-A-G. GRCh37 (hg19) VCF-style: chr15-63336337-A-G.
Other names: c.226A>G, p.Lys76Glu (NM_000366.6, NM_001018004.2, NM_001018006.2 and 3 more transcripts); c.352A>G, p.Lys118Glu (NM_001365778.1); c.240+307A>G (NM_001018020.2, NM_001018007.2, NM_001301244.2); short protein forms K76E, K118E.
Identifiers: ClinVar variation 454416 (VCV000454416.8), dbSNP rs1555403432, ClinGen allele CA392718721.
Genomic context (GRCh38, chr15:63,044,138, plus strand): 5'-GAACTGGACAAATACTCTGAGGCTCTCAAAGATGCCCAGGAGAAGCTGGAGCTGGCAGAG[A>G]AAAAGGCCACCGATGTAAGTGCACGCTCACACTGCTTCCCTCACCTCTTGCCTGCGTGGC-3'
Protein context (NP_001018005.1, residues 66-86): DAQEKLELAE[Lys76Glu]KATDAEADVA

ClinVar aggregate classification (germline): Uncertain significance (1 of 4 stars; one submission).

Conditions:
Hypertrophic cardiomyopathy. Also called: HYPERTROPHIC MYOCARDIOPATHY. Identifiers: Orphanet 217569, MedGen C0007194, MeSH D002312, MONDO:0005045, HP:0001639.

Submission:

Labcorp Genetics (formerly Invitae), Labcorp
Classification: Uncertain significance for Hypertrophic cardiomyopathy. Last evaluated: 2024-08-11. Review status: criteria provided, single submitter. Criteria: Invitae Variant Classification Sherloc (09022015). Collection method: clinical testing. Allele origin: germline.
Comment: This sequence change replaces lysine, which is basic and polar, with glutamic acid, which is acidic and polar, at codon 76 of the TPM1 protein (p.Lys76Glu). This variant is not present in population databases (gnomAD no frequency). This variant has not been reported in the literature in individuals affected with TPM1-related conditions. ClinVar contains an entry for this variant (Variation ID: 454416). An algorithm developed to predict the effect of missense changes on protein structure and function (PolyPhen-2) suggests that this variant is likely to be tolerated. In summary, the available evidence is currently insufficient to determine the role of this variant in disease. Therefore, it has been classified as a Variant of Uncertain Significance.